The following is an entry in ClinVar:

NM_002907.4(RECQL):c.1797+14_1797+17del

Genes: PYROXD1 (pyridine nucleotide-disulphide oxidoreductase domain 1; plus strand), RECQL (RecQ like helicase; minus strand). Cytogenetic location: 12p12.1.
Variant type: Deletion.
Coding change: c.1797+14_1797+17del on transcript NM_002907.4 (MANE Select); bases 14 to 17 of the intron after coding-DNA position 1797, 4 bases deleted (AATT; older notation c.1797+14_1797+17delAATT).
Molecular consequence: intron variant. On other transcripts: 3 prime UTR variant (3).
Genome position (GRCh38, 1-based): chr12:21,470,952-21,470,955, AATT deleted on the plus strand (AATT on the coding strand, the reverse complement: RECQL is on the minus strand); deleting any 4 consecutive bases within chr12:21,470,952-21,470,958 gives the same sequence; the c. name uses the placement nearest the transcript's 3' end. VCF-style (leftmost placement, unchanged base first): chr12-21470951-AAATT-A. GRCh37 (hg19) VCF-style: chr12-21623885-AAATT-A.
Other names: c.*2201_*2204del (NM_001350912.2, NM_001350913.2, NM_024854.5); c.1797+14_1797+17del (NM_032941.3).
Identifiers: ClinVar variation 679711 (VCV000679711.12), dbSNP rs71582883, ClinGen allele CA6478647.
Genomic context (GRCh38, chr12:21,470,951, plus strand): 5'-GAATATGACAGAAAAGCATCCCATAGGCTTTAATATACTTTTTAAAATATATAAAACTGA[AAATT>A]AATAGCCATTTACCCTGAAAGAGTTCTGCGTGGACTTTGTCACTTGCATAGTAATAGCAT-3'

ClinVar aggregate classification (germline): Benign/Likely benign. Review status: criteria provided, multiple submitters, no conflicts (2 of 4 stars). 4 submissions from 4 submitters: Benign (3); Likely benign (1). Last evaluated 2026-02-04.

Conditions:
RECON progeroid syndrome (RECON). Identifiers: MedGen C5830504, MONDO:0957266, OMIM 620370.

Submissions (4):

Labcorp Genetics (formerly Invitae), Labcorp
Classification: Benign. Last evaluated: 2026-02-04. Review status: criteria provided, single submitter. Criteria: Invitae Variant Classification Sherloc (09022015). Collection method: clinical testing. Allele origin: germline.

Blueprint Genetics
Classification: Likely benign. Last evaluated: 2024-11-27. Review status: criteria provided, single submitter. Criteria: ACMG Guidelines, 2015. Collection method: clinical testing. Allele origin: germline.

Department of Pathology and Laboratory Medicine, Sinai Health System
Classification: Benign for RECON progeroid syndrome. Last evaluated: 2021-12-03. Review status: criteria provided, single submitter. Criteria: ACMG Guidelines, 2015. Collection method: clinical testing. Allele origin: germline. Affected: yes.

GeneDx
Classification: Benign. Last evaluated: 2018-06-18. Review status: criteria provided, single submitter. Criteria: GeneDx Variant Classification (06012015). Collection method: clinical testing. Allele origin: germline. Affected: yes.
Comment: This variant is considered likely benign or benign based on one or more of the following criteria: it is a conservative change, it occurs at a poorly conserved position in the protein, it is predicted to be benign by multiple in silico algorithms, and/or has population frequency not consistent with disease.